The following is an entry in ClinVar:

NM_020738.4(KIDINS220):c.3395dup (p.His1133fs)

Gene: KIDINS220 (kinase D interacting substrate 220; minus strand). Cytogenetic location: 2p25.1.
Variant type: Duplication.
Coding change: c.3395dup on transcript NM_020738.4 (MANE Select); coding-DNA position 3395, one base duplicated (A; older notation c.3395dupA).
Protein change: p.His1133fs; shifts the reading frame from histidine 1133.
Molecular consequence: frameshift variant. On other transcripts: non-coding transcript variant (2).
Genome position (GRCh38, 1-based): chr2:8,750,131, T duplicated on the plus strand (A on the coding strand, the reverse complement: KIDINS220 is on the minus strand). VCF-style (leftmost placement, unchanged base first): chr2-8750130-C-CT. GRCh37 (hg19) VCF-style: chr2-8890260-C-CT.
Other names: c.3398dup, p.His1134fs (NM_001348729.2, NM_001348731.2, NM_001348734.2 and 2 more transcripts); c.3395dup, p.His1133fs (NM_001348732.2, NM_001348735.2, NM_001348738.2 and 3 more transcripts); c.3269dup, p.His1091fs (NM_001348736.2); short protein forms H1091fs, H1133fs, H1134fs.
Identifiers: ClinVar variation 1804954 (VCV001804954.1), dbSNP rs2527616848, ClinGen allele CA1139771243.

ClinVar aggregate classification (germline): Pathogenic (1 of 4 stars; one submission).

Conditions:
Spastic paraplegia, intellectual disability, nystagmus, and obesity. Also called: Spastic paraplegia, intellectual disability, nystagmus, and obesity;. Identifiers: Orphanet 521390, MedGen C4284592, MONDO:0015007, OMIM 617296.

Submission:

Victorian Clinical Genetics Services, Murdoch Childrens Research Institute
Classification: Pathogenic for Spastic paraplegia, intellectual disability, nystagmus, and obesity. Last evaluated: 2021-05-06. Review status: criteria provided, single submitter. Criteria: ACMG Guidelines, 2015. Collection method: clinical testing. Allele origin: germline. Inheritance: Autosomal dominant inheritance.
Comment: Based on the classification scheme VCGS_Germline_v1.3.4, this variant is classified as Pathogenic. Following criteria are met: 0105 - The mechanism of disease for this gene is not clearly established. (I) 0107 - This gene is associated with autosomal dominant disease. Autosomal recessive inheritance has been reported in one family (PMID: 28934391). (I) 0201 - Variant is predicted to cause nonsense-mediated decay (NMD) and loss of protein (premature termination codon is located at least 54 nucleotides upstream of the final exon-exon junction). (SP) 0251 - This variant is heterozygous. (I) 0301 - Variant is absent from gnomAD (both v2 and v3). (SP) 0702 - Other NMD predicted variant comparable to the one identified in this case have strong previous evidence for pathogenicity (ClinVar, Decipher, LOVD, PMID: 28934391). (SP) 0807 - This variant has no previous evidence of pathogenicity. (I) 0905 - No published segregation evidence has been identified for this variant. (I) 1007 - No published functional evidence has been identified for this variant. (I) 1208 - Inheritance information for this variant is not currently available in this individual. (I) Legend: (SP) - Supporting pathogenic, (I) - Information, (SB) - Supporting benign

Literature cited by the submitters: PubMed 28934391.